The following is an entry in ClinVar:

NM_001077365.2(POMT1):c.139T>G (p.Tyr47Asp)

Gene: POMT1 (protein O-mannosyltransferase 1; plus strand). Cytogenetic location: 9q34.13.
Variant type: single nucleotide variant.
Coding change: c.139T>G on transcript NM_001077365.2 (MANE Select); coding-DNA position 139, T replaced by G.
Protein change: p.Tyr47Asp; replaces tyrosine 47 with aspartic acid.
Molecular consequence: missense variant. On other transcripts: 5 prime UTR variant (6), non-coding transcript variant (7), intron variant (8).
Genome position (GRCh38, 1-based): chr9:131,506,130, T>G. VCF-style: chr9-131506130-T-G. GRCh37 (hg19) VCF-style: chr9-134381517-T-G.
Other names: c.-24T>G (NM_001077366.2, NM_001353194.2, NM_001353197.2 and 3 more transcripts); c.139T>G, p.Tyr47Asp (NM_001136113.2, NM_001353193.2, NM_001374690.1 and 1 more transcripts); c.-71-1238T>G (NM_001374691.1, NM_001374692.1); c.123-273T>G (NM_001353196.2); c.-122-273T>G (NM_001353195.2, NM_001353199.2, NM_001136114.2); c.-30+1790T>G (NM_001374695.1); c.-80-273T>G (NM_001353200.2); short protein forms Y47D.
Identifiers: ClinVar variation 1524993 (VCV001524993.8), dbSNP rs1945758260, ClinGen allele CA375305563.

ClinVar aggregate classification (germline): Uncertain significance (1 of 4 stars; one submission).

Conditions:
Walker-Warburg congenital muscular dystrophy. Also called: Muscular dystrophy-dystroglycanopathy, type A; Walker-Warburg syndrome. Identifiers: Orphanet 899, MedGen C0265221, MONDO:0000171.
Autosomal recessive limb-girdle muscular dystrophy type 2K. Also called: MUSCULAR DYSTROPHY-DYSTROGLYCANOPATHY (LIMB-GIRDLE), TYPE C, 1; MUSCULAR DYSTROPHY, LIMB-GIRDLE, TYPE 2K. Identifiers: Orphanet 86812, MedGen C1836373, MONDO:0012248, OMIM 609308.
Muscular dystrophy-dystroglycanopathy (congenital with impaired intellectual development), type B, 1. Also called: Muscular dystrophy-dystroglycanopathy (congenital with intellectual disability), type B1; MUSCULAR DYSTROPHY, CONGENITAL, POMT1-RELATED. Identifiers: MedGen C5436962, MONDO:0013159, OMIM 613155.

Allele frequency attached by ClinVar (database versions not stated): gnomAD exomes below 0.00001; TOPMed below 0.00001.
gnomAD v4.1: 1 of 1,613,998 alleles (0.000062%); highest among the groups gnomAD compares: African/African-American, 0.0013%; no homozygotes.

Submission:

Labcorp Genetics (formerly Invitae), Labcorp
Classification: Uncertain significance for Muscular dystrophy-dystroglycanopathy (congenital with impaired intellectual development), type B, 1; Walker-Warburg congenital muscular dystrophy; Autosomal recessive limb-girdle muscular dystrophy type 2K. Last evaluated: 2022-07-26. Review status: criteria provided, single submitter. Criteria: Invitae Variant Classification Sherloc (09022015). Collection method: clinical testing. Allele origin: germline.
Comment: ClinVar contains an entry for this variant (Variation ID: 1524993). In summary, the available evidence is currently insufficient to determine the role of this variant in disease. Therefore, it has been classified as a Variant of Uncertain Significance. Algorithms developed to predict the effect of missense changes on protein structure and function (SIFT, PolyPhen-2, Align-GVGD) all suggest that this variant is likely to be disruptive. This variant has not been reported in the literature in individuals affected with POMT1-related conditions. This variant is not present in population databases (gnomAD no frequency). This sequence change replaces tyrosine, which is neutral and polar, with aspartic acid, which is acidic and polar, at codon 47 of the POMT1 protein (p.Tyr47Asp).